The following is an entry in ClinVar:

ClinVar aggregate classification (germline): Likely benign (1 of 4 stars; one submission).

Submission:

CeGaT Center for Human Genetics Tuebingen
Classification: Likely benign. Last evaluated: 2026-07-01. Review status: criteria provided, single submitter. Criteria: CeGaT Center For Human Genetics Tuebingen Variant Classification Criteria Version 2. Collection method: clinical testing. Allele origin: germline. Affected: yes. Observed: 1 variant allele.
Comment: EXT1: BS1

NM_000127.3(EXT1):c.962+68368CTTC[9]

Gene: EXT1 (exostosin glycosyltransferase 1; minus strand). Cytogenetic location: 8q24.11.
Variant type: Microsatellite.
Coding change: c.962+68368CTTC[9] on transcript NM_000127.3 (MANE Select); nine copies in a row of the 4-base unit CTTC starting at c.962+68368; the reference has 13 copies in a row; four copies, 16 bases deleted.
Molecular consequence: intron variant.
Genome position (GRCh38, 1-based): chr8:118,041,666-118,041,681, GAAGGAAGGAAGGAAG deleted on the plus strand (CTTCCTTCCTTCCTTC on the coding strand, the reverse complement: EXT1 is on the minus strand); deleting any 16 consecutive bases within chr8:118,041,666-118,041,720 gives the same sequence; the position shown is the placement nearest the transcript's 3' end. VCF-style (leftmost placement, unchanged base first): chr8-118041665-AGAAGGAAGGAAGGAAG-A. GRCh37 (hg19) VCF-style: chr8-119053904-AGAAGGAAGGAAGGAAG-A.
Identifiers: ClinVar variation 4874096 (VCV004874096.2).
Genomic context (GRCh38, chr8:118,041,665, plus strand): 5'-TACAAGCTAGAGGAAATATAGATGTATTTTTAAACAAGAAAAAGAAAGAAAGAGAGAGAA[AGAAGGAAGGAAGGAAG>A]GAAGGAAGGAAGGAAGGAAGGAAGGAAGGAAGGAAGGAAAAAGAAAAGGGAGGTCAAGAG-3'